The following is an entry in ClinVar:

NM_001376.5(DYNC1H1):c.10924G>A (p.Asp3642Asn)

Gene: DYNC1H1 (dynein cytoplasmic 1 heavy chain 1; plus strand). Cytogenetic location: 14q32.31.
Variant type: single nucleotide variant.
Coding change: c.10924G>A on transcript NM_001376.5 (MANE Select); coding-DNA position 10924, G replaced by A.
Protein change: p.Asp3642Asn; replaces aspartic acid 3642 with asparagine.
Molecular consequence: missense variant.
Genome position (GRCh38, 1-based): chr14:102,038,475, G>A. VCF-style: chr14-102038475-G-A. GRCh37 (hg19) VCF-style: chr14-102504812-G-A.
Other names: short protein forms D3642N.
Identifiers: ClinVar variation 2446637 (VCV002446637.1), dbSNP rs2503842483, ClinGen allele CA391031296.

ClinVar aggregate classification (germline): Uncertain significance (1 of 4 stars; one submission).

Submission:

GeneDx
Classification: Uncertain significance. Last evaluated: 2022-09-28. Review status: criteria provided, single submitter. Criteria: GeneDx Variant Classification Process June 2021. Collection method: clinical testing. Allele origin: germline. Affected: yes.
Comment: Not observed at significant frequency in large population cohorts (gnomAD); In silico analysis supports that this missense variant has a deleterious effect on protein structure/function; Has not been previously published as pathogenic or benign to our knowledge; This variant is associated with the following publications: (PMID: 26100331, 25609763, 25512093)